The following is an entry in ClinVar:

ClinVar aggregate classification (germline): Conflicting classifications of pathogenicity. Review status: criteria provided, conflicting classifications (1 of 4 stars). 4 submissions from 4 submitters: Uncertain significance (3); Likely benign (1). Last evaluated 2025-09-29.

Conditions:
Juvenile polyposis syndrome (JPS). Identifiers: Orphanet 2929, MedGen C0345893, MONDO:0017380, OMIM 174900.
Hereditary cancer-predisposing syndrome. Also called: Neoplastic Syndromes, Hereditary; Hereditary Cancer Syndrome; Hereditary neoplastic syndrome; Tumor predisposition. Identifiers: Orphanet 140162, MedGen C0027672, MeSH D009386, MONDO:0015356.
Familial thoracic aortic aneurysm and aortic dissection (TAAD). Also called: Thoracic aortic aneurysms and dissections. Identifiers: Orphanet 91387, MedGen C4707243, MONDO:0019625.
Juvenile polyposis/hereditary hemorrhagic telangiectasia syndrome (JPHT). Also called: Juvenile Polyposis Syndrome / Hereditary Hemorrhagic Telangiectasia (JPS/HHT); JP/HHT SYNDROME; JUVENILE POLYPOSIS WITH HEREDITARY HEMORRHAGIC TELANGIECTASIA; POLYPOSIS, GENERALIZED JUVENILE, WITH PULMONARY ARTERIOVENOUS MALFORMATION; TELANGIECTASIA, HEREDITARY HEMORRHAGIC, WITH JUVENILE POLYPOSIS COLI. Identifiers: Orphanet 2929, MedGen C1832942, MONDO:0008278, OMIM 175050.

Submissions (4):

Color Diagnostics, LLC DBA Color Health
Classification: Uncertain significance for Hereditary cancer-predisposing syndrome. Last evaluated: 2025-09-29. Review status: criteria provided, single submitter. Criteria: ACMG Guidelines, 2015. Collection method: clinical testing. Allele origin: germline.
Comment: This variant causes a C to T nucleotide substitution at the +6 position of intron 7 of the SMAD4 gene. To our knowledge, functional studies have not been reported for this variant. This variant has not been reported in individuals affected with SMAD4-related disorders in the literature. This variant has not been identified in the general population by the Genome Aggregation Database (gnomAD). The available evidence is insufficient to determine the role of this variant in disease conclusively. Therefore, this variant is classified as a Variant of Uncertain Significance.

Myriad Genetics, Inc.
Classification: Likely benign for Juvenile polyposis/hereditary hemorrhagic telangiectasia syndrome. Last evaluated: 2025-03-20. Review status: criteria provided, single submitter. Criteria: Myriad Autosomal Dominant, Autosomal Recessive and X-Linked Classification Criteria (2023). Collection method: clinical testing. Allele origin: unknown.
Comment: This variant is considered likely benign. This variant is intronic and is not expected to impact mRNA splicing.

Labcorp Genetics (formerly Invitae), Labcorp
Classification: Uncertain significance for Juvenile polyposis syndrome. Last evaluated: 2024-05-21. Review status: criteria provided, single submitter. Criteria: Invitae Variant Classification Sherloc (09022015). Collection method: clinical testing. Allele origin: germline.
Comment: This sequence change falls in intron 7 of the SMAD4 gene. It does not directly change the encoded amino acid sequence of the SMAD4 protein. It affects a nucleotide within the consensus splice site. This variant is not present in population databases (gnomAD no frequency). This variant has not been reported in the literature in individuals affected with SMAD4-related conditions. ClinVar contains an entry for this variant (Variation ID: 1380734). Variants that disrupt the consensus splice site are a relatively common cause of aberrant splicing (PMID: 17576681, 9536098). Algorithms developed to predict the effect of sequence changes on RNA splicing suggest that this variant is not likely to affect RNA splicing. In summary, the available evidence is currently insufficient to determine the role of this variant in disease. Therefore, it has been classified as a Variant of Uncertain Significance.

Ambry Genetics
Classification: Uncertain significance for Hereditary cancer-predisposing syndrome; Familial thoracic aortic aneurysm and aortic dissection. Last evaluated: 2015-03-05. Review status: criteria provided, single submitter. Criteria: Ambry Variant Classification Scheme 2023. Collection method: clinical testing. Allele origin: germline.
Comment: The c.904+6C>T intronic alteration consists of a C to T substitution nucleotides after coding exon 6 in the SMAD4 gene. Based on insufficient or conflicting evidence, the clinical significance of this alteration remains unclear.

Literature cited by the submitters: PubMed 17576681 (cited by Labcorp Genetics (formerly Invitae), Labcorp); PubMed 9536098 (cited by Labcorp Genetics (formerly Invitae), Labcorp).

NM_005359.6(SMAD4):c.904+6C>T

Gene: SMAD4 (SMAD family member 4; plus strand). Cytogenetic location: 18q21.2.
Variant type: single nucleotide variant.
Coding change: c.904+6C>T on transcript NM_005359.6 (MANE Select); 6 bases into the intron after coding-DNA position 904, C replaced by T.
Molecular consequence: intron variant.
Genome position (GRCh38, 1-based): chr18:51,058,462, C>T. VCF-style: chr18-51058462-C-T. GRCh37 (hg19) VCF-style: chr18-48584832-C-T.
Other names: c.904+6C>T (NM_005359.5).
Identifiers: ClinVar variation 1380734 (VCV001380734.8), dbSNP rs1909906368, ClinGen allele CA2573155421.
Genomic context (GRCh38, chr18:51,058,462, plus strand): 5'-CAAAACGGCCATCTTCAGCACCACCCGCCTATGCCGCCCCATCCCGGACATTACTGTAAG[C>T]TCTTGTTTTTGTTGTAAGGGCTATTTTTTTTTTTTTTTTGGTAGGGCTTTGTTTTCTGTT-3'